The following is an entry in ClinVar:

ClinVar aggregate classification (germline): Pathogenic (1 of 4 stars; one submission).

Submission:

Athena Diagnostics
Classification: Pathogenic. Last evaluated: 2025-05-27. Review status: criteria provided, single submitter. Criteria: Athena Diagnostics Criteria. Collection method: clinical testing. Allele origin: unknown.
Comment: This variant is expected to result in the loss of a functional protein. Similar deletions have not been reported in large, multi-ethnic general populations. A similar deletion of exons 51-53 has been identified in multiple individuals with Duchenne muscular dystrophy (DMD).

Literature cited by the submitters: PubMed 8168835; PubMed 22090376; PubMed 23299919; PubMed 24099565; PubMed 18663755; PubMed 38425356; PubMed 36034570; PubMed 32655290; PubMed 32962870; PubMed 33843695; PubMed 20485447; PubMed 31443951; PubMed 25972034; PubMed 31705731.

Single allele

Gene: DMD (dystrophin; minus strand). Cytogenetic location: Xp21.1.
Variant type: Deletion.
Identifiers: ClinVar variation 4682456 (VCV004682456.1).